The following is an entry in ClinVar:

NM_000321.3(RB1):c.2034T>A (p.His678Gln)

Gene: RB1 (RB transcriptional corepressor 1; plus strand). Cytogenetic location: 13q14.2.
Variant type: single nucleotide variant.
Coding change: c.2034T>A on transcript NM_000321.3 (MANE Select); coding-DNA position 2034, T replaced by A.
Protein change: p.His678Gln; replaces histidine 678 with glutamine.
Molecular consequence: missense variant.
Genome position (GRCh38, 1-based): chr13:48,459,761, T>A. VCF-style: chr13-48459761-T-A. GRCh37 (hg19) VCF-style: chr13-49033897-T-A.
Other names: c.2034T>A, p.His678Gln (NM_001407165.1); short protein forms H678Q.
Identifiers: ClinVar variation 4824135 (VCV004824135.1).

ClinVar aggregate classification (germline): Uncertain significance (1 of 4 stars; one submission).

Conditions:
Hereditary cancer-predisposing syndrome. Also called: Neoplastic Syndromes, Hereditary; Hereditary neoplastic syndrome; Tumor predisposition; Hereditary Cancer Syndrome. Identifiers: Orphanet 140162, MedGen C0027672, MeSH D009386, MONDO:0015356.

Submission:

Ambry Genetics
Classification: Uncertain significance for Hereditary cancer-predisposing syndrome. Last evaluated: 2026-01-22. Review status: criteria provided, single submitter. Criteria: Ambry Variant Classification Scheme 2023. Collection method: clinical testing. Allele origin: germline.
Comment: The p.H678Q variant (also known as c.2034T>A), located in coding exon 20 of the RB1 gene, results from a T to A substitution at nucleotide position 2034. The histidine at codon 678 is replaced by glutamine, an amino acid with highly similar properties. This amino acid position is conserved. In addition, this alteration is predicted to be tolerated by in silico analysis. Based on the available evidence, the clinical significance of this variant remains unclear.